The following is an entry in ClinVar:

NM_198253.3(TERT):c.665G>A (p.Arg222Lys)

Gene: TERT (telomerase reverse transcriptase; minus strand). Cytogenetic location: 5p15.33.
Variant type: single nucleotide variant.
Coding change: c.665G>A on transcript NM_198253.3 (MANE Select); coding-DNA position 665, G replaced by A.
Protein change: p.Arg222Lys; replaces arginine 222 with lysine.
Molecular consequence: missense variant. On other transcripts: non-coding transcript variant (2).
Genome position (GRCh38, 1-based): chr5:1,294,221, C>T on the plus strand (G>A on the coding strand, the complement: TERT is on the minus strand). VCF-style: chr5-1294221-C-T. GRCh37 (hg19) VCF-style: chr5-1294336-C-T.
Other names: c.665G>A, p.Arg222Lys (NM_001193376.3); c.665G>A (NM_198253.2); short protein forms R222K.
Identifiers: ClinVar variation 1506640 (VCV001506640.7), dbSNP rs1751220663, ClinGen allele CA359057072.
Genomic context (GRCh38, chr5:1,294,221, plus strand): 5'-GCGCCACGCCTGGGCCTCTTGGGCAACGGCAGACTTCGGCTGGCACTGCCCCCGCGCCTC[C>T]TCGCACCCGGGGCTGGCAGGCCCAGGGGGACCCCGGCCTCCCTGACGCTATGGTTCCAGG-3'
Protein context (NP_937983.2, residues 212-232): VPLGLPAPGA[Arg222Lys]RRGGSASRSL

ClinVar aggregate classification (germline): Uncertain significance. Review status: criteria provided, multiple submitters, no conflicts (2 of 4 stars). 2 submissions from 2 submitters: Uncertain significance (2). Last evaluated 2023-11-12.

Conditions:
Idiopathic Pulmonary Fibrosis. Also called: Idiopathic fibrosing alveolitis, chronic form; idiopathic fibrosing alveolitis. Identifiers: Orphanet 2032, MedGen C1800706, MeSH D054990, MONDO:0800504.
Dyskeratosis congenita, autosomal dominant 2. Identifiers: MedGen C3151443, MONDO:0013521, OMIM 613989.
Dyskeratosis congenita. Identifiers: Orphanet 1775, MedGen C0265965, MONDO:0015780.

Allele frequency attached by ClinVar (database versions not stated): TOPMed below 0.00001.

Submissions (2):

Ambry Genetics
Classification: Uncertain significance for Dyskeratosis congenita. Last evaluated: 2023-11-12. Review status: criteria provided, single submitter. Criteria: Ambry Variant Classification Scheme 2023. Collection method: clinical testing. Allele origin: germline.
Comment: The p.R222K variant (also known as c.665G>A), located in coding exon 2 of the TERT gene, results from a G to A substitution at nucleotide position 665. The arginine at codon 222 is replaced by lysine, an amino acid with highly similar properties. This amino acid position is conserved. In addition, this alteration is predicted to be tolerated by in silico analysis. Since supporting evidence is limited at this time, the clinical significance of this alteration remains unclear.

Labcorp Genetics (formerly Invitae), Labcorp
Classification: Uncertain significance for Dyskeratosis congenita, autosomal dominant 2; Idiopathic Pulmonary Fibrosis. Last evaluated: 2021-08-26. Review status: criteria provided, single submitter. Criteria: Invitae Variant Classification Sherloc (09022015). Collection method: clinical testing. Allele origin: germline.
Comment: Advanced modeling of protein sequence and biophysical properties (such as structural, functional, and spatial information, amino acid conservation, physicochemical variation, residue mobility, and thermodynamic stability) performed at Invitae indicates that this missense variant is not expected to disrupt TERT protein function. This sequence change replaces arginine with lysine at codon 222 of the TERT protein (p.Arg222Lys). The arginine residue is weakly conserved and there is a small physicochemical difference between arginine and lysine. This variant is not present in population databases (ExAC no frequency). This variant has not been reported in the literature in individuals affected with TERT-related conditions. In summary, the available evidence is currently insufficient to determine the role of this variant in disease. Therefore, it has been classified as a Variant of Uncertain Significance.